The following is an entry in ClinVar:

ClinVar aggregate classification (germline): Uncertain significance (1 of 4 stars; one submission).

Conditions:
Familial hypocalciuric hypercalcemia (FHH). Also called: Familial benign hypercalcemia. Identifiers: Orphanet 405, MedGen C1809471, MONDO:0018458.
Autosomal dominant hypocalcemia 1 (HYPOC1). Also called: HYPOCALCEMIA, FAMILIAL. Identifiers: MedGen C3715128, MONDO:0011013, OMIM 601198.

Submission:

Labcorp Genetics (formerly Invitae), Labcorp
Classification: Uncertain significance for Familial hypocalciuric hypercalcemia; Autosomal dominant hypocalcemia 1. Last evaluated: 2022-09-10. Review status: criteria provided, single submitter. Criteria: Invitae Variant Classification Sherloc (09022015). Collection method: clinical testing. Allele origin: germline.
Comment: Algorithms developed to predict the effect of missense changes on protein structure and function (SIFT, PolyPhen-2, Align-GVGD) all suggest that this variant is likely to be disruptive. In summary, the available evidence is currently insufficient to determine the role of this variant in disease. Therefore, it has been classified as a Variant of Uncertain Significance. This sequence change replaces lysine, which is basic and polar, with threonine, which is neutral and polar, at codon 584 of the CASR protein (p.Lys584Thr). This variant is not present in population databases (gnomAD no frequency). This variant has not been reported in the literature in individuals affected with CASR-related conditions.

NM_000388.4(CASR):c.1751A>C (p.Lys584Thr)

Gene: CASR (calcium sensing receptor; plus strand). Cytogenetic location: 3q21.1.
Variant type: single nucleotide variant.
Coding change: c.1751A>C on transcript NM_000388.4 (MANE Select); coding-DNA position 1751, A replaced by C.
Protein change: p.Lys584Thr; replaces lysine 584 with threonine.
Molecular consequence: missense variant.
Genome position (GRCh38, 1-based): chr3:122,283,705, A>C. VCF-style: chr3-122283705-A-C. GRCh37 (hg19) VCF-style: chr3-122002552-A-C.
Other names: c.1781A>C, p.Lys594Thr (NM_001178065.2); short protein forms K584T, K594T.
Identifiers: ClinVar variation 1719144 (VCV001719144.6), dbSNP rs1284603229, ClinGen allele CA354157149.
Genomic context (GRCh38, chr3:122,283,705, plus strand): 5'-TGTGCCACACAATAACTCACTCTTCACTGGGACATTTTACAGATGCCAGTGCCTGTAACA[A>C]GTGCCCAGATGACTTCTGGTCCAATGAGAACCACACCTCCTGCATTGCCAAGGAGATCGA-3'
Protein context (NP_000379.3, residues 574-594): SDETDASACN[Lys584Thr]CPDDFWSNEN